The following is an entry in ClinVar:

NM_000092.5(COL4A4):c.3791G>A (p.Gly1264Glu)

Gene: COL4A4 (collagen type IV alpha 4 chain; minus strand). Cytogenetic location: 2q36.3.
Variant type: single nucleotide variant.
Coding change: c.3791G>A on transcript NM_000092.5 (MANE Select); coding-DNA position 3791, G replaced by A.
Protein change: p.Gly1264Glu; replaces glycine 1264 with glutamic acid.
Molecular consequence: missense variant.
Genome position (GRCh38, 1-based): chr2:227,031,971, C>T on the plus strand (G>A on the coding strand, the complement: COL4A4 is on the minus strand). VCF-style: chr2-227031971-C-T. GRCh37 (hg19) VCF-style: chr2-227896687-C-T.
Other names: short protein forms G1264E.
Identifiers: ClinVar variation 5003359 (VCV005003359.1).

ClinVar aggregate classification (germline): Uncertain significance (1 of 4 stars; one submission).

Conditions:
Alport syndrome. Also called: Hemorrhagic familial nephritis; Hemorrhagic hereditary nephritis; Congenital hereditary hematuria. Identifiers: Orphanet 63, MedGen C1567741, MONDO:0018965.

Submission:

Myriad Genetics, Inc.
Classification: Uncertain significance for Alport syndrome. Last evaluated: 2026-05-20. Review status: criteria provided, single submitter. Criteria: Myriad Autosomal Dominant, Autosomal Recessive and X-Linked Classification Criteria (2023). Collection method: clinical testing. Allele origin: unknown.
Comment: NM_000092.4(COL4A4):c.3791G>A(G1264E) is a missense variant classified as a variant of uncertain significance in the context of Alport syndrome, COL4A4-related. G1264E has not been observed in cases with relevant disease. Relevant functional assessments of this variant are not available in the literature. Internal structural analysis of the variant is supportive of pathogenicity. G1264E has not been observed in referenced population frequency databases. In summary, there is insufficient evidence to classify NM_000092.4(COL4A4):c.3791G>A(G1264E) as pathogenic or benign. Please note: this variant was assessed in the context of healthy population screening.